The following is an entry in ClinVar:

ClinVar aggregate classification (germline): Uncertain significance (1 of 4 stars; one submission).

Submission:

Dasa
Classification: Uncertain significance. Last evaluated: 2025-03-03. Review status: criteria provided, single submitter. Criteria: DASA Assertion Criteria. Collection method: clinical testing. Allele origin: germline.
Comment: NM_001393769.1(MED12L):c.5255_5260dup (p.Met1752_Pro1753dup) is an in-frame duplication predicted to duplicate amino acids from methionine at protein position 1752 through proline at protein position 1753 without shifting the reading frame. This variant is absent from population databases. The currently available literature and clinical evidence are not sufficient to establish a definitive association between this variant and the reported condition. Therefore, this variant is classified as a variant of uncertain significance.

NM_001393769.1(MED12L):c.5255_5260dup (p.Pro1753_Lys1754insMetPro)

Gene: MED12L (mediator complex subunit 12L; plus strand). Cytogenetic location: 3q25.1.
Variant type: Duplication.
Coding change: c.5255_5260dup on transcript NM_001393769.1 (MANE Select); coding-DNA positions 5255 to 5260, 6 bases duplicated (TGCCCA; older notation c.5255_5260dupTGCCCA).
Protein change: p.Pro1753_Lys1754insMetPro.
Molecular consequence: inframe insertion.
Genome position (GRCh38, 1-based): chr3:151,387,976-151,387,981, TGCCCA duplicated; duplicating any 6 consecutive bases within chr3:151,387,972-151,387,981 gives the same sequence; the c. name uses the placement nearest the transcript's 3' end. VCF-style (leftmost placement, unchanged base first): chr3-151387971-C-CCCCATG. GRCh37 (hg19) VCF-style: chr3-151105759-C-CCCCATG.
Other names: c.5150_5155dup, p.Pro1718_Lys1719insMetPro (NM_053002.6).
Identifiers: ClinVar variation 4884089 (VCV004884089.2).